The following is an entry in ClinVar:

NM_001352027.3(PHF21A):c.320A>G (p.Gln107Arg)

Gene: PHF21A (PHD finger protein 21A; minus strand). Cytogenetic location: 11p11.2.
Variant type: single nucleotide variant.
Coding change: c.320A>G on transcript NM_001352027.3 (MANE Select); coding-DNA position 320, A replaced by G.
Protein change: p.Gln107Arg; replaces glutamine 107 with arginine.
Molecular consequence: missense variant. On other transcripts: non-coding transcript variant (2).
Genome position (GRCh38, 1-based): chr11:45,979,800, T>C on the plus strand (A>G on the coding strand, the complement: PHF21A is on the minus strand). VCF-style: chr11-45979800-T-C. GRCh37 (hg19) VCF-style: chr11-46001351-T-C.
Other names: c.320A>G, p.Gln107Arg (NM_001101802.3, NM_001352025.3, NM_001352026.3 and 6 more transcripts); short protein forms Q107R.
Identifiers: ClinVar variation 2746897 (VCV002746897.3), dbSNP rs2094201518, ClinGen allele CA380214219.

ClinVar aggregate classification (germline): Uncertain significance (1 of 4 stars; one submission).

Allele frequency attached by ClinVar (database versions not stated): TOPMed below 0.00001.

Submission:

Labcorp Genetics (formerly Invitae), Labcorp
Classification: Uncertain significance. Last evaluated: 2023-08-11. Review status: criteria provided, single submitter. Criteria: Invitae Variant Classification Sherloc (09022015). Collection method: clinical testing. Allele origin: germline.
Comment: In summary, the available evidence is currently insufficient to determine the role of this variant in disease. Therefore, it has been classified as a Variant of Uncertain Significance. Advanced modeling of protein sequence and biophysical properties (such as structural, functional, and spatial information, amino acid conservation, physicochemical variation, residue mobility, and thermodynamic stability) performed at Invitae indicates that this missense variant is not expected to disrupt PHF21A protein function. This variant has not been reported in the literature in individuals affected with PHF21A-related conditions. This variant is not present in population databases (gnomAD no frequency). This sequence change replaces glutamine, which is neutral and polar, with arginine, which is basic and polar, at codon 107 of the PHF21A protein (p.Gln107Arg).